The following is an entry in ClinVar:

ClinVar aggregate classification (germline): Uncertain significance (1 of 4 stars; one submission).

gnomAD v4.1: 5 of 1,613,922 alleles (0.00031%); highest among the groups gnomAD compares: Non-Finnish European, 0.00025%; no homozygotes.

Submission:

GeneDx
Classification: Uncertain significance. Last evaluated: 2025-07-09. Review status: criteria provided, single submitter. Criteria: GeneDx Variant Classification Process June 2021. Collection method: clinical testing. Allele origin: germline. Affected: yes.
Comment: In silico analysis supports that this missense variant has a deleterious effect on protein structure/function; Has not been previously published as pathogenic or benign to our knowledge

NM_021939.4(FKBP10):c.1411C>T (p.Pro471Ser)

Gene: FKBP10 (FKBP prolyl isomerase 10; plus strand). Cytogenetic location: 17q21.2.
Variant type: single nucleotide variant.
Coding change: c.1411C>T on transcript NM_021939.4 (MANE Select); coding-DNA position 1411, C replaced by T.
Protein change: p.Pro471Ser; replaces proline 471 with serine.
Molecular consequence: missense variant.
Genome position (GRCh38, 1-based): chr17:41,821,665, C>T. VCF-style: chr17-41821665-C-T. GRCh37 (hg19) VCF-style: chr17-39977917-C-T.
Other names: short protein forms P471S.
Identifiers: ClinVar variation 4685086 (VCV004685086.1).
Genomic context (GRCh38, chr17:41,821,665, plus strand): 5'-GACCCCGGCCTGACTAGGACCCCTCCCTTCTCTCCTGCCCTCCCTCCAGCCCGGGGAGTC[C>T]CAGGCAGTGCTGTGCTGCTGTTTGAGGTGGAGCTGGTGTCCCGGGAGGATGGGCTGCCCA-3'
Protein context (NP_068758.3, residues 461-481): AHGESGARGV[Pro471Ser]GSAVLLFEVE